The following is an entry in ClinVar:

NM_001605.3(AARS1):c.1535AGA[1] (p.Lys513del)

Gene: AARS1 (alanyl-tRNA synthetase 1; minus strand). Cytogenetic location: 16q22.1.
Variant type: Microsatellite.
Coding change: c.1535AGA[1] on transcript NM_001605.3 (MANE Select); one copy of the 3-base unit AGA starting at c.1535; the reference has two copies in a row; one copy, 3 bases deleted.
Protein change: p.Lys513del; deletes lysine 513.
Molecular consequence: inframe deletion.
Genome position (GRCh38, 1-based): chr16:70,262,477-70,262,479, TCT deleted on the plus strand (AGA on the coding strand, the reverse complement: AARS1 is on the minus strand); deleting any 3 consecutive bases within chr16:70,262,477-70,262,482 gives the same sequence; the position shown is the placement nearest the transcript's 3' end. VCF-style (leftmost placement, unchanged base first): chr16-70262476-ATCT-A. GRCh37 (hg19) VCF-style: chr16-70296379-ATCT-A.
Other names: c.1538_1540delAGA (NM_001605.2); short protein forms K513del.
Identifiers: ClinVar variation 476733 (VCV000476733.14), dbSNP rs762162379, ClinGen allele CA8140762.

ClinVar aggregate classification (germline): Uncertain significance. Review status: criteria provided, multiple submitters, no conflicts (2 of 4 stars). 3 submissions from 3 submitters: Uncertain significance (3). Last evaluated 2026-06-01.

Conditions:
Charcot-Marie-Tooth disease type 2. Also called: Charcot-Marie-Tooth type 2. Identifiers: Orphanet 64746, MedGen C0270914, MONDO:0018993.

Submissions (3):

CeGaT Center for Human Genetics Tuebingen
Classification: Uncertain significance. Last evaluated: 2026-06-01. Review status: criteria provided, single submitter. Criteria: CeGaT Center For Human Genetics Tuebingen Variant Classification Criteria Version 2. Collection method: clinical testing. Allele origin: germline. Affected: yes. Observed: 2 variant alleles.
Comment: AARS1: PM2, PM4:Supporting

Labcorp Genetics (formerly Invitae), Labcorp
Classification: Uncertain significance for Charcot-Marie-Tooth disease type 2. Last evaluated: 2025-04-23. Review status: criteria provided, single submitter. Criteria: Invitae Variant Classification Sherloc (09022015). Collection method: clinical testing. Allele origin: germline.
Comment: This variant, c.1538_1540del, results in the deletion of 1 amino acid(s) of the AARS protein (p.Lys513del), but otherwise preserves the integrity of the reading frame. This variant is present in population databases (rs762162379, gnomAD 0.006%). This variant has not been reported in the literature in individuals affected with AARS-related conditions. ClinVar contains an entry for this variant (Variation ID: 476733). Experimental studies and prediction algorithms are not available or were not evaluated, and the functional significance of this variant is currently unknown. In summary, the available evidence is currently insufficient to determine the role of this variant in disease. Therefore, it has been classified as a Variant of Uncertain Significance.

Blueprint Genetics
Classification: Uncertain significance. Last evaluated: 2024-05-13. Review status: criteria provided, single submitter. Criteria: ACMG Guidelines, 2015. Collection method: clinical testing. Allele origin: germline.